The following is an entry in ClinVar:

ClinVar aggregate classification (germline): Uncertain significance (1 of 4 stars; one submission).

gnomAD v4.1: 1 of 1,614,220 alleles (0.000062%); highest among the groups gnomAD compares: Non-Finnish European, 0.000085%; no homozygotes.

Submission:

GeneDx
Classification: Uncertain significance. Last evaluated: 2025-04-23. Review status: criteria provided, single submitter. Criteria: GeneDx Variant Classification Process June 2021. Collection method: clinical testing. Allele origin: germline. Affected: yes.
Comment: Not observed at significant frequency in large population cohorts (gnomAD); In silico analysis supports that this missense variant has a deleterious effect on protein structure/function; Has not been previously published as pathogenic or benign to our knowledge

NM_004380.3(CREBBP):c.3166A>G (p.Lys1056Glu)

Gene: CREBBP (CREB binding protein; minus strand). Cytogenetic location: 16p13.3.
Variant type: single nucleotide variant.
Coding change: c.3166A>G on transcript NM_004380.3 (MANE Select); coding-DNA position 3166, A replaced by G.
Protein change: p.Lys1056Glu; replaces lysine 1056 with glutamic acid.
Molecular consequence: missense variant.
Genome position (GRCh38, 1-based): chr16:3,767,804, T>C on the plus strand (A>G on the coding strand, the complement: CREBBP is on the minus strand). VCF-style: chr16-3767804-T-C. GRCh37 (hg19) VCF-style: chr16-3817805-T-C.
Other names: c.3052A>G, p.Lys1018Glu (NM_001079846.1); short protein forms K1018E, K1056E.
Identifiers: ClinVar variation 1302192 (VCV001302192.3), dbSNP rs2141182404, ClinGen allele CA394570697.